The following is an entry in ClinVar:

NM_025099.6(CTC1):c.1760A>G (p.Asn587Ser)

Gene: CTC1 (CST telomere replication complex component 1; minus strand). Cytogenetic location: 17p13.1.
Variant type: single nucleotide variant.
Coding change: c.1760A>G on transcript NM_025099.6 (MANE Select); coding-DNA position 1760, A replaced by G.
Protein change: p.Asn587Ser; replaces asparagine 587 with serine.
Molecular consequence: missense variant. On other transcripts: non-coding transcript variant (1).
Genome position (GRCh38, 1-based): chr17:8,234,513, T>C on the plus strand (A>G on the coding strand, the complement: CTC1 is on the minus strand). VCF-style: chr17-8234513-T-C. GRCh37 (hg19) VCF-style: chr17-8137831-T-C.
Other names: short protein forms N587S.
Identifiers: ClinVar variation 571638 (VCV000571638.13), dbSNP rs376302717, ClinGen allele CA8372263.
Genomic context (GRCh38, chr17:8,234,513, plus strand): 5'-ACCTGGGCTGGGCAGAAGGCAGAGGGCAGCAGACAGAGCCAGGACCAAGCCAGGCGGCGA[T>C]TGAGTTGGCAGCTGGGCAGGTAGGAGGCCTCCGGGAGGGGCAGAAGGGCCTTAGGGTCAA-3'
Protein context (NP_079375.3, residues 577-597): EASYLPSCQL[Asn587Ser]RRLAWSWLCL

ClinVar aggregate classification (germline): Uncertain significance. Review status: criteria provided, multiple submitters, no conflicts (2 of 4 stars). 3 submissions from 3 submitters: Uncertain significance (3). Last evaluated 2025-09-27.

Conditions:
Dyskeratosis congenita. Identifiers: Orphanet 1775, MedGen C0265965, MONDO:0015780.
Inborn genetic diseases. Identifiers: MedGen C0950123, MeSH D030342.

Allele frequency attached by ClinVar (database versions not stated): gnomAD exomes 0.00006 and 0.00009; gnomAD 0.00015 and 0.00016; 1000 Genomes Project 30x 0.00016; ESP Exome Variant Server 0.00016; TOPMed 0.00016; ExAC 0.00019; 1000 Genomes Project 0.00020.
gnomAD v4.1: 110 of 1,557,058 alleles (0.0071%); highest among the groups gnomAD compares: Admixed American, 0.023%; no homozygotes.

Submissions (3):

Ambry Genetics
Classification: Uncertain significance for Inborn genetic diseases. Last evaluated: 2025-09-27. Review status: criteria provided, single submitter. Criteria: Ambry Variant Classification Scheme 2023. Collection method: clinical testing. Allele origin: germline.

Labcorp Genetics (formerly Invitae), Labcorp
Classification: Uncertain significance for Dyskeratosis congenita. Last evaluated: 2023-11-27. Review status: criteria provided, single submitter. Criteria: Invitae Variant Classification Sherloc (09022015). Collection method: clinical testing. Allele origin: germline.
Comment: This sequence change replaces asparagine, which is neutral and polar, with serine, which is neutral and polar, at codon 587 of the CTC1 protein (p.Asn587Ser). This variant is present in population databases (rs376302717, gnomAD 0.02%). This variant has not been reported in the literature in individuals affected with CTC1-related conditions. ClinVar contains an entry for this variant (Variation ID: 571638). Advanced modeling of protein sequence and biophysical properties (such as structural, functional, and spatial information, amino acid conservation, physicochemical variation, residue mobility, and thermodynamic stability) performed at Invitae indicates that this missense variant is expected to disrupt CTC1 protein function with a positive predictive value of 80%. In summary, the available evidence is currently insufficient to determine the role of this variant in disease. Therefore, it has been classified as a Variant of Uncertain Significance.

Blueprint Genetics
Classification: Uncertain significance. Last evaluated: 2023-02-08. Review status: criteria provided, single submitter. Criteria: ACMG Guidelines, 2015. Collection method: clinical testing. Allele origin: germline.